The following is an entry in ClinVar:

NM_001376.5(DYNC1H1):c.8344-188G>A

Gene: DYNC1H1 (dynein cytoplasmic 1 heavy chain 1; plus strand). Cytogenetic location: 14q32.31.
Variant type: single nucleotide variant.
Coding change: c.8344-188G>A on transcript NM_001376.5 (MANE Select); 188 bases into the intron before coding-DNA position 8344, G replaced by A.
Molecular consequence: intron variant.
Genome position (GRCh38, 1-based): chr14:102,019,705, G>A. VCF-style: chr14-102019705-G-A. GRCh37 (hg19) VCF-style: chr14-102486042-G-A.
Identifiers: ClinVar variation 679350 (VCV000679350.1), dbSNP rs3742426, ClinGen allele CA14037206.
Genomic context (GRCh38, chr14:102,019,705, plus strand): 5'-AGGCTGGAATGCAGTGGCGCAGTCTCGGCTCACTGCAACCTCCGCCTCCTGGGTTCAAGC[G>A]ATTCTTCTGCCTCAGCCTCCCTAGTAGCTGGGACTACAGGCACCCACCACCATGTCCAGC-3'

ClinVar aggregate classification (germline): Benign (1 of 4 stars; one submission).

Allele frequency attached by ClinVar (database versions not stated): gnomAD 0.14715 and 0.14895; TOPMed 0.15467; 1000 Genomes Project 30x 0.19457; 1000 Genomes Project 0.19509.
gnomAD v4.1: 22,568 of 152,042 alleles (15%); highest among the groups gnomAD compares: East Asian, 24%; 1,901 homozygotes.

Submission:

GeneDx
Classification: Benign. Last evaluated: 2018-06-18. Review status: criteria provided, single submitter. Criteria: GeneDx Variant Classification (06012015). Collection method: clinical testing. Allele origin: germline. Affected: yes.
Comment: This variant is considered likely benign or benign based on one or more of the following criteria: it is a conservative change, it occurs at a poorly conserved position in the protein, it is predicted to be benign by multiple in silico algorithms, and/or has population frequency not consistent with disease.